The following is an entry in ClinVar:

NM_054012.4(ASS1):c.240C>T (p.Ser80=)

Gene: ASS1 (argininosuccinate synthase 1; plus strand). Cytogenetic location: 9q34.11.
Variant type: single nucleotide variant.
Coding change: c.240C>T on transcript NM_054012.4 (MANE Select); coding-DNA position 240, C replaced by T.
Protein change: p.Ser80=; no amino-acid change (serine 80 retained).
Molecular consequence: synonymous variant.
Genome position (GRCh38, 1-based): chr9:130,458,466, C>T. VCF-style: chr9-130458466-C-T. GRCh37 (hg19) VCF-style: chr9-133333853-C-T.
Other names: c.240C>T, p.Ser80= (NM_000050.4).
Identifiers: ClinVar variation 365251 (VCV000365251.17), dbSNP rs147910468, ClinGen allele CA5283204.

ClinVar aggregate classification (germline): Conflicting classifications of pathogenicity. Review status: criteria provided, conflicting classifications (1 of 4 stars). 4 submissions from 4 submitters: Uncertain significance (1); Likely benign (2). 1 of the submissions does not count toward it. Last evaluated 2025-02-11.

Conditions:
Citrullinemia. Identifiers: Orphanet 187, MedGen C0175683, MONDO:0015991.
Citrullinemia type I (CTNL1). Also called: argininosuccinate synthetase deficiency; ASS DEFICIENCY. Identifiers: Orphanet 247525, MedGen C4721769, MONDO:0008988, OMIM 215700.

Allele frequency attached by ClinVar (database versions not stated): gnomAD 0.00020 and 0.00023; ESP Exome Variant Server 0.00023; 1000 Genomes Project 30x 0.00031; gnomAD exomes 0.00007 and 0.00002; TOPMed 0.00018; 1000 Genomes Project 0.00020; ExAC 0.00007.
gnomAD v4.1: 69 of 1,612,290 alleles (0.0043%); highest among the groups gnomAD compares: African/African-American, 0.051%; no homozygotes.

Submissions (4):

Labcorp Genetics (formerly Invitae), Labcorp
Classification: Likely benign for Citrullinemia. Last evaluated: 2025-02-11. Review status: criteria provided, single submitter. Criteria: Invitae Variant Classification Sherloc (09022015). Collection method: clinical testing. Allele origin: germline.

GeneDx
Classification: Likely benign. Last evaluated: 2018-01-31. Review status: criteria provided, single submitter. Criteria: GeneDx Variant Classification (06012015). Collection method: clinical testing. Allele origin: germline. Affected: yes.
Comment: This variant is considered likely benign or benign based on one or more of the following criteria: it is a conservative change, it occurs at a poorly conserved position in the protein, it is predicted to be benign by multiple in silico algorithms, and/or has population frequency not consistent with disease.

Illumina Laboratory Services, Illumina
Classification: Uncertain significance for Citrullinemia type I. Last evaluated: 2018-01-13. Review status: criteria provided, single submitter. Criteria: ICSL Variant Classification Criteria 13 December 2019. Collection method: clinical testing. Allele origin: germline.

Natera, Inc.
Classification: Likely benign for Citrullinemia. Last evaluated: 2020-09-16. Review status: no assertion criteria provided. Collection method: clinical testing. Allele origin: germline. Not counted in ClinVar's aggregate classification.